The following is an entry in ClinVar:

ClinVar aggregate classification (germline): Uncertain significance. Review status: criteria provided, multiple submitters, no conflicts (2 of 4 stars). 4 submissions from 4 submitters: Uncertain significance (2). 2 of the submissions do not count toward it. Last evaluated 2025-11-11.

Conditions:
Retinitis pigmentosa 37 (RP37). Identifiers: Orphanet 791, MedGen C1970163, MONDO:0012625, OMIM 611131.
Enhanced S-cone syndrome (ESCS). Identifiers: Orphanet 53540, MedGen C1849394, MONDO:0100288, MONDO:0009989.

Allele frequency attached by ClinVar (database versions not stated): TOPMed 0.00002; gnomAD 0.00003; ExAC 0.00004; gnomAD exomes 0.00008; 1000 Genomes Project 30x 0.00016.

Submissions (4):

Labcorp Genetics (formerly Invitae), Labcorp
Classification: Uncertain significance. Last evaluated: 2025-11-11. Review status: criteria provided, single submitter. Criteria: Invitae Variant Classification Sherloc (09022015). Collection method: clinical testing. Allele origin: germline.
Comment: This sequence change replaces serine, which is neutral and polar, with arginine, which is basic and polar, at codon 354 of the NR2E3 protein (p.Ser354Arg). This variant is present in population databases (rs777512062, gnomAD 0.1%). This variant has not been reported in the literature in individuals affected with NR2E3-related conditions. ClinVar contains an entry for this variant (Variation ID: 551741). Invitae Evidence Modeling of protein sequence and biophysical properties (such as structural, functional, and spatial information, amino acid conservation, physicochemical variation, residue mobility, and thermodynamic stability) indicates that this missense variant is not expected to disrupt NR2E3 protein function with a negative predictive value of 80%. In summary, the available evidence is currently insufficient to determine the role of this variant in disease. Therefore, it has been classified as a Variant of Uncertain Significance.

Blueprint Genetics
Classification: Uncertain significance. Last evaluated: 2022-07-18. Review status: criteria provided, single submitter. Criteria: ACMG Guidelines, 2015. Collection method: clinical testing. Allele origin: germline.

Natera, Inc.
Classification: Uncertain significance for Enhanced S cone syndrome. Last evaluated: 2020-04-17. Review status: no assertion criteria provided. Collection method: clinical testing. Allele origin: germline. Not counted in ClinVar's aggregate classification.

Counsyl
Classification: Uncertain significance for Retinitis pigmentosa 37; ENHANCED S-CONE SYNDROME 1. Last evaluated: 2017-05-15. Review status: no assertion criteria provided. Collection method: clinical testing. Allele origin: unknown. Not counted in ClinVar's aggregate classification.

NM_014249.4(NR2E3):c.1062C>G (p.Ser354Arg)

Gene: NR2E3 (nuclear receptor subfamily 2 group E member 3; plus strand). Cytogenetic location: 15q23.
Variant type: single nucleotide variant.
Coding change: c.1062C>G on transcript NM_014249.4 (MANE Select); coding-DNA position 1062, C replaced by G.
Protein change: p.Ser354Arg; replaces serine 354 with arginine.
Molecular consequence: missense variant.
Genome position (GRCh38, 1-based): chr15:71,814,079, C>G. VCF-style: chr15-71814079-C-G. GRCh37 (hg19) VCF-style: chr15-72106420-C-G.
Other names: c.1062C>G, p.Ser354Arg (NM_016346.4); short protein forms S354R.
Identifiers: ClinVar variation 551741 (VCV000551741.9), dbSNP rs777512062, ClinGen allele CA7640488.